The following is an entry in ClinVar:

ClinVar aggregate classification (germline): Uncertain significance (1 of 4 stars; one submission).

Conditions:
Focal segmental glomerulosclerosis 1 (FSGS1). Identifiers: Orphanet 656, MedGen C4551527, MONDO:0011303, OMIM 603278.

Allele frequency attached by ClinVar (database versions not stated): TOPMed below 0.00001; gnomAD 0.00001.
gnomAD v4.1: 1 of 1,614,090 alleles (0.000062%); highest among the groups gnomAD compares: Non-Finnish European, 0.000085%; no homozygotes.

Submission:

Centre for Mendelian Genomics, University Medical Centre Ljubljana
Classification: Uncertain significance for Focal segmental glomerulosclerosis 1. Last evaluated: 2020-03-29. Review status: criteria provided, single submitter. Criteria: ACMG Guidelines, 2015. Collection method: clinical testing. Allele origin: unknown. Affected: yes.
Comment: This variant was classified as: Uncertain significance. The available evidence favors the pathogenic nature of this variant, however the currently available data is insufficient to conclusively support its pathogenic nature. Thus this variant is classified as Uncertain significance - favor pathogenic. The following ACMG criteria were applied in classifying this variant: PM1_Sup,PM2,PP2,PP3.

NM_004924.6(ACTN4):c.190C>G (p.Leu64Val)

Gene: ACTN4 (actinin alpha 4; plus strand). Cytogenetic location: 19q13.2.
Variant type: single nucleotide variant.
Coding change: c.190C>G on transcript NM_004924.6 (MANE Select); coding-DNA position 190, C replaced by G.
Protein change: p.Leu64Val; replaces leucine 64 with valine.
Molecular consequence: missense variant.
Genome position (GRCh38, 1-based): chr19:38,700,627, C>G. VCF-style: chr19-38700627-C-G. GRCh37 (hg19) VCF-style: chr19-39191267-C-G.
Other names: c.190C>G, p.Leu64Val (NM_001322033.2); short protein forms L64V.
Identifiers: ClinVar variation 930231 (VCV000930231.3), dbSNP rs1478339393, ClinGen allele CA405685092.